The following is an entry in ClinVar:

NM_000051.4(ATM):c.3812T>G (p.Ile1271Ser)

Gene: ATM (ATM serine/threonine kinase; plus strand). Cytogenetic location: 11q22.3.
Variant type: single nucleotide variant.
Coding change: c.3812T>G on transcript NM_000051.4 (MANE Select); coding-DNA position 3812, T replaced by G.
Protein change: p.Ile1271Ser; replaces isoleucine 1271 with serine.
Molecular consequence: missense variant.
Genome position (GRCh38, 1-based): chr11:108,284,292, T>G. VCF-style: chr11-108284292-T-G. GRCh37 (hg19) VCF-style: chr11-108155019-T-G.
Other names: c.3812T>G, p.Ile1271Ser (NM_001351834.2); short protein forms I1271S.
Identifiers: ClinVar variation 482563 (VCV000482563.5), dbSNP rs1308232635, ClinGen allele CA382524807.

ClinVar aggregate classification (germline): Uncertain significance (1 of 4 stars; one submission).

Conditions:
Hereditary cancer-predisposing syndrome. Also called: Neoplastic Syndromes, Hereditary; Tumor predisposition; Hereditary Cancer Syndrome; Hereditary neoplastic syndrome. Identifiers: Orphanet 140162, MedGen C0027672, MeSH D009386, MONDO:0015356.

Submission:

Ambry Genetics
Classification: Uncertain significance for Hereditary cancer-predisposing syndrome. Last evaluated: 2016-01-29. Review status: criteria provided, single submitter. Criteria: Ambry Variant Classification Scheme 2023. Collection method: clinical testing. Allele origin: germline.
Comment: The p.I1271S variant (also known as c.3812T>G), located in coding exon 25 of the ATM gene, results from a T to G substitution at nucleotide position 3812. The isoleucine at codon 1271 is replaced by serine, an amino acid with dissimilar properties. This variant was not reported in population based cohorts in the following databases: Database of Single Nucleotide Polymorphisms (dbSNP), NHLBI Exome Sequencing Project (ESP), and 1000 Genomes Project. In the ESP, this variant was not observed in 6499 samples (12998 alleles) with coverage at this position.To date, this alteration has been detected with an allele frequency of approximately 0.001% (greater than 125000 alleles tested) in our clinical cohort. This amino acid position is not well conserved in available vertebrate species. In addition, this alteration is predicted to be deleterious by in silico analysis. Since supporting evidence is limited at this time, the clinical significance of this alteration remains unclear.